The following is an entry in ClinVar:

ClinVar aggregate classification (germline): Benign/Likely benign. Review status: criteria provided, multiple submitters, no conflicts (2 of 4 stars). 15 submissions from 15 submitters: Benign (5); Likely benign (5). 5 of the submissions do not count toward it. Last evaluated 2026-02-03.

Conditions:
Cardiovascular phenotype. Identifiers: MedGen CN230736.
Dilated cardiomyopathy 1AA (CMD1AA). Also called: CARDIOMYOPATHY, DILATED, 1AA, WITH OR WITHOUT LEFT VENTRICULAR NONCOMPACTION; CARDIOMYOPATHY, FAMILIAL HYPERTROPHIC, 23, WITH OR WITHOUT LEFT VENTRICULAR NONCOMPACTION; Cardiomyopathy, dilated, 1AA, with or without LVNC. Identifiers: Orphanet 154, MedGen C2677338, MONDO:0012808, OMIM 612158.
Myopathy, congenital, with structured cores and z-line abnormalities. Also called: MULTIPLE STRUCTURED CORE DISEASE; CONGENITAL MYOPATHY 8. Identifiers: MedGen C5231445, MONDO:0032852, OMIM 618654.
Myopathy, distal, 6, adult-onset, autosomal dominant. Identifiers: MedGen C5203349, MONDO:0032853, OMIM 618655.
ACTN2-related disorder. Also called: ACTN2 related condition; ACTN2-related disorders.
Cardiomyopathy (CMYO). Also called: Cardiomyopathies. Identifiers: Orphanet 167848, MedGen C0878544, MONDO:0004994, HP:0001638. Inheritance: Various modes of inheritance.
Primary familial hypertrophic cardiomyopathy (HCM). Identifiers: Orphanet 99739, MedGen C0949658, MeSH D024741, MONDO:0024573. Inheritance: Various modes of inheritance.

Allele frequency attached by ClinVar (database versions not stated): gnomAD exomes 0.00030; ExAC 0.00034; gnomAD 0.00097 and 0.00098; TOPMed 0.00119; 1000 Genomes Project 0.00120; ESP Exome Variant Server 0.00123; 1000 Genomes Project 30x 0.00141.
gnomAD v4.1: 325 of 1,614,156 alleles (0.02%); highest among the groups gnomAD compares: African/African-American, 0.34%; no homozygotes.

Submissions (15):

Labcorp Genetics (formerly Invitae), Labcorp
Classification: Benign for Primary familial hypertrophic cardiomyopathy; Dilated cardiomyopathy 1AA. Last evaluated: 2026-02-03. Review status: criteria provided, single submitter. Criteria: Invitae Variant Classification Sherloc (09022015). Collection method: clinical testing. Allele origin: germline.

Mayo Clinic Laboratories, Mayo Clinic
Classification: Likely benign. Last evaluated: 2024-11-11. Review status: criteria provided, single submitter. Criteria: ACMG Guidelines, 2015. Collection method: clinical testing. Allele origin: germline. Observed: 3 variant alleles.
Comment: BS1, BP4, BP7

Blueprint Genetics
Classification: Likely benign. Last evaluated: 2024-09-04. Review status: criteria provided, single submitter. Criteria: ACMG Guidelines, 2015. Collection method: clinical testing. Allele origin: germline.

Women's Health and Genetics/Laboratory Corporation of America, LabCorp
Classification: Benign. Last evaluated: 2022-05-07. Review status: criteria provided, single submitter. Criteria: LabCorp Variant Classification Summary - May 2015. Collection method: clinical testing. Allele origin: germline.

Fulgent Genetics
Classification: Likely benign for Dilated cardiomyopathy 1AA; Myopathy, congenital, with structured cores and z-line abnormalities; Myopathy, distal, 6, adult-onset, autosomal dominant. Last evaluated: 2021-10-05. Review status: criteria provided, single submitter. Criteria: ACMG Guidelines, 2015. Collection method: clinical testing. Allele origin: unknown.

ARUP Laboratories, Molecular Genetics and Genomics, ARUP Laboratories
Classification: Likely benign. Last evaluated: 2019-06-02. Review status: criteria provided, single submitter. Criteria: ARUP Molecular Germline Variant Investigation Process. Collection method: clinical testing. Allele origin: germline.

CHEO Genetics Diagnostic Laboratory, Children's Hospital of Eastern Ontario
Classification: Benign for Cardiomyopathy. Last evaluated: 2018-03-19. Review status: criteria provided, single submitter. Criteria: ACMG Guidelines, 2015. Collection method: clinical testing. Allele origin: germline.

Ambry Genetics
Classification: Likely benign for Cardiovascular phenotype. Last evaluated: 2016-11-30. Review status: criteria provided, single submitter. Criteria: Ambry Variant Classification Scheme 2023. Collection method: clinical testing. Allele origin: germline.

GeneDx
Classification: Benign. Last evaluated: 2014-09-22. Review status: criteria provided, single submitter. Criteria: GeneDx Variant Classification (06012015). Collection method: clinical testing. Allele origin: germline. Affected: yes.
Comment: This variant is considered likely benign or benign based on one or more of the following criteria: it is a conservative change, it occurs at a poorly conserved position in the protein, it is predicted to be benign by multiple in silico algorithms, and/or has population frequency not consistent with disease.

Laboratory for Molecular Medicine, Mass General Brigham Personalized Medicine
Classification: Benign. Last evaluated: 2012-02-02. Review status: criteria provided, single submitter. Criteria: LMM Criteria. Collection method: clinical testing. Allele origin: germline. Observed: 6 variant alleles.
Comment: Ile692Ile in exon 17 of ACTN2: This variant is classified as benign based on its high frequency in the general population (dbSNP rs144122893; NHLBI Exome Sequen cing Project).

PreventionGenetics, part of Exact Sciences
Classification: Likely benign for ACTN2-related condition. Last evaluated: 2019-12-26. Review status: no assertion criteria provided. Collection method: clinical testing. Allele origin: germline. Not counted in ClinVar's aggregate classification.
Comment: This variant is classified as likely benign based on ACMG/AMP sequence variant interpretation guidelines (Richards et al. 2015 PMID: 25741868, with internal and published modifications).

Clinical Genetics DNA and cytogenetics Diagnostics Lab, Erasmus MC, Erasmus Medical Center
Classification: Likely benign. Review status: no assertion criteria provided. Collection method: clinical testing. Allele origin: germline. Affected: yes. Study: VKGL Data-share Consensus. Not counted in ClinVar's aggregate classification.

Clinical Genetics, Academic Medical Center
Classification: Benign. Review status: no assertion criteria provided. Collection method: clinical testing. Allele origin: germline. Affected: yes. Study: VKGL Data-share Consensus. Not counted in ClinVar's aggregate classification.

Diagnostic Laboratory, Department of Genetics, University Medical Center Groningen
Classification: Likely benign. Review status: no assertion criteria provided. Collection method: clinical testing. Allele origin: germline. Affected: yes. Study: VKGL Data-share Consensus. Not counted in ClinVar's aggregate classification.

Genome Diagnostics Laboratory, University Medical Center Utrecht
Classification: Likely benign. Review status: no assertion criteria provided. Collection method: clinical testing. Allele origin: germline. Affected: yes. Study: VKGL Data-share Consensus. Not counted in ClinVar's aggregate classification.

NM_001103.4(ACTN2):c.2076C>T (p.Ile692=)

Gene: ACTN2 (actinin alpha 2; plus strand). Cytogenetic location: 1q43.
Variant type: single nucleotide variant.
Coding change: c.2076C>T on transcript NM_001103.4 (MANE Select); coding-DNA position 2076, C replaced by T.
Protein change: p.Ile692=; no amino-acid change (isoleucine 692 retained).
Molecular consequence: synonymous variant.
Genome position (GRCh38, 1-based): chr1:236,755,120, C>T. VCF-style: chr1-236755120-C-T. GRCh37 (hg19) VCF-style: chr1-236918420-C-T.
Other names: p.I692I:ATC>ATT; p.Ile692=; c.2076C>T, p.Ile692= (NM_001278343.2); c.1452C>T, p.Ile484= (NM_001278344.2).
Identifiers: ClinVar variation 43924 (VCV000043924.40), dbSNP rs144122893, ClinGen allele CA133168.